The following is an entry in ClinVar:

NM_001303256.3(MORC2):c.1138G>A (p.Asp380Asn)

Gene: MORC2 (MORC family CW-type zinc finger 2; minus strand). Cytogenetic location: 22q12.2.
Variant type: single nucleotide variant.
Coding change: c.1138G>A on transcript NM_001303256.3 (MANE Select); coding-DNA position 1138, G replaced by A.
Protein change: p.Asp380Asn; replaces aspartic acid 380 with asparagine.
Molecular consequence: missense variant.
Genome position (GRCh38, 1-based): chr22:30,938,141, C>T on the plus strand (G>A on the coding strand, the complement: MORC2 is on the minus strand). VCF-style: chr22-30938141-C-T. GRCh37 (hg19) VCF-style: chr22-31334128-C-T.
Other names: c.1138G>A, p.Asp380Asn (NM_001303257.2); c.952G>A, p.Asp318Asn (NM_014941.3); short protein forms D318N, D380N.
Identifiers: ClinVar variation 1320444 (VCV001320444.2), dbSNP rs2147257227, ClinGen allele CA411239409.

ClinVar aggregate classification (germline): Uncertain significance (1 of 4 stars; one submission).

Submission:

GeneDx
Classification: Uncertain significance. Last evaluated: 2019-10-15. Review status: criteria provided, single submitter. Criteria: GeneDx Variant Classification Process June 2021. Collection method: clinical testing. Allele origin: germline. Affected: yes.
Comment: Not observed in large population cohorts (Lek et al., 2016); In silico analysis, which includes protein predictors and evolutionary conservation, supports a deleterious effect; Has not been previously published as pathogenic or benign to our knowledge